The following is an entry in ClinVar:

NM_004006.3(DMD):c.9564-97C>T

Gene: DMD (dystrophin; minus strand). Cytogenetic location: Xp21.2.
Variant type: single nucleotide variant.
Coding change: c.9564-97C>T on transcript NM_004006.3 (MANE Select); 97 bases into the intron before coding-DNA position 9564, C replaced by T.
Molecular consequence: intron variant.
Genome position (GRCh38, 1-based): chrX:31,206,764, G>A on the plus strand (C>T on the coding strand, the complement: DMD is on the minus strand). VCF-style: chrX-31206764-G-A. GRCh37 (hg19) VCF-style: chrX-31224881-G-A.
Other names: c.9540-97C>T (NM_000109.4); c.5541-97C>T (NM_004011.4); c.5532-97C>T (NM_004012.4); c.2184-97C>T (NM_004023.3, NM_004020.4, NM_004022.3 and 2 more transcripts); c.1377-97C>T (NM_004014.3); c.360-97C>T (NM_004018.3, NM_004017.3, NM_004016.3 and 2 more transcripts); c.9552-97C>T (NM_004009.3); c.9195-97C>T (NM_004010.3).
Identifiers: ClinVar variation 671240 (VCV000671240.2), dbSNP rs2293667, ClinGen allele CA328407920.

ClinVar aggregate classification (germline): Benign. Review status: criteria provided, multiple submitters, no conflicts (2 of 4 stars). 2 submissions from 2 submitters: Benign (2). Last evaluated 2018-06-14.

Allele frequency attached by ClinVar (database versions not stated): 1000 Genomes Project 0.80397; TOPMed 0.83854; gnomAD 0.84251.

Submissions (2):

GeneDx
Classification: Benign. Last evaluated: 2018-06-14. Review status: criteria provided, single submitter. Criteria: GeneDx Variant Classification (06012015). Collection method: clinical testing. Allele origin: germline. Affected: yes.
Comment: This variant is considered likely benign or benign based on one or more of the following criteria: it is a conservative change, it occurs at a poorly conserved position in the protein, it is predicted to be benign by multiple in silico algorithms, and/or has population frequency not consistent with disease.

Breakthrough Genomics
Classification: Benign. Review status: criteria provided, single submitter. Criteria: ACMG Guidelines, 2015. Collection method: not provided. Allele origin: germline. Inheritance: X-linked inheritance. Affected: yes.